The following is an entry in ClinVar:

ClinVar aggregate classification (germline): Uncertain significance. Review status: criteria provided, multiple submitters, no conflicts (2 of 4 stars). 2 submissions from 2 submitters: Uncertain significance (2). Last evaluated 2022-10-05.

Conditions:
Mucopolysaccharidosis, MPS-III-B (MPS3B). Also called: N-ACETYL-ALPHA-D-GLUCOSAMINIDASE DEFICIENCY; NAGLU DEFICIENCY; SANFILIPPO SYNDROME B; MPS III B; MPS IIIB (Sanfilippo Syndrome Type B); MUCOPOLYSACCHARIDOSIS, TYPE IIIB. Identifiers: Orphanet 79270, MedGen C0086648, MONDO:0009656, OMIM 252920.
Charcot-Marie-Tooth disease axonal type 2V. Also called: CHARCOT-MARIE-TOOTH NEUROPATHY, TYPE 2V; CHARCOT-MARIE-TOOTH DISEASE, AXONAL, AUTOSOMAL DOMINANT, TYPE 2V. Identifiers: Orphanet 447964, MedGen C5569050, MONDO:0014665, OMIM 616491.

Allele frequency attached by ClinVar (database versions not stated): ExAC 0.00001; gnomAD exomes 0.00001.

Submissions (2):

Labcorp Genetics (formerly Invitae), Labcorp
Classification: Uncertain significance for Charcot-Marie-Tooth disease axonal type 2V; Mucopolysaccharidosis, MPS-III-B. Last evaluated: 2022-10-05. Review status: criteria provided, single submitter. Criteria: Invitae Variant Classification Sherloc (09022015). Collection method: clinical testing. Allele origin: germline.
Comment: This sequence change replaces glutamic acid, which is acidic and polar, with lysine, which is basic and polar, at codon 608 of the NAGLU protein (p.Glu608Lys). The frequency data for this variant in the population databases is considered unreliable, as metrics indicate poor data quality at this position in the gnomAD database. This variant has not been reported in the literature in individuals affected with NAGLU-related conditions. ClinVar contains an entry for this variant (Variation ID: 1497331). Algorithms developed to predict the effect of missense changes on protein structure and function output the following: SIFT: "Tolerated"; PolyPhen-2: "Benign"; Align-GVGD: "Class C0". The lysine amino acid residue is found in multiple mammalian species, which suggests that this missense change does not adversely affect protein function. In summary, the available evidence is currently insufficient to determine the role of this variant in disease. Therefore, it has been classified as a Variant of Uncertain Significance.

Blueprint Genetics
Classification: Uncertain significance. Last evaluated: 2022-07-16. Review status: criteria provided, single submitter. Criteria: ACMG Guidelines, 2015. Collection method: clinical testing. Allele origin: germline.

NM_000263.4(NAGLU):c.1822G>A (p.Glu608Lys)

Gene: NAGLU (N-acetyl-alpha-glucosaminidase; plus strand). Cytogenetic location: 17q21.2.
Variant type: single nucleotide variant.
Coding change: c.1822G>A on transcript NM_000263.4 (MANE Select); coding-DNA position 1822, G replaced by A.
Protein change: p.Glu608Lys; replaces glutamic acid 608 with lysine.
Molecular consequence: missense variant.
Genome position (GRCh38, 1-based): chr17:42,543,828, G>A. VCF-style: chr17-42543828-G-A. GRCh37 (hg19) VCF-style: chr17-40695846-G-A.
Other names: short protein forms E608K.
Identifiers: ClinVar variation 1497331 (VCV001497331.4), dbSNP rs756138287, ClinGen allele CA8577103.